The following is an entry in ClinVar:

ClinVar aggregate classification (germline): Likely benign. Review status: criteria provided, multiple submitters, no conflicts (2 of 4 stars). 3 submissions from 3 submitters: Likely benign (3). Last evaluated 2025-04-02.

Allele frequency attached by ClinVar (database versions not stated): ExAC 0.00001; gnomAD exomes 0.00001.
gnomAD v4.1: 9 of 1,556,290 alleles (0.00058%); highest among the groups gnomAD compares: East Asian, 0.02%; no homozygotes.

Submissions (3):

Women's Health and Genetics/Laboratory Corporation of America, LabCorp
Classification: Likely benign. Last evaluated: 2025-04-02. Review status: criteria provided, single submitter. Criteria: LabCorp Variant Classification Summary - May 2015. Collection method: clinical testing. Allele origin: germline.

Blueprint Genetics
Classification: Likely benign. Last evaluated: 2019-09-14. Review status: criteria provided, single submitter. Criteria: ACMG Guidelines, 2015. Collection method: clinical testing. Allele origin: germline.

GeneDx
Classification: Likely benign. Last evaluated: 2016-12-27. Review status: criteria provided, single submitter. Criteria: GeneDx Variant Classification (06012015). Collection method: clinical testing. Allele origin: germline. Affected: yes.
Comment: This variant is considered likely benign or benign based on one or more of the following criteria: it is a conservative change, it occurs at a poorly conserved position in the protein, it is predicted to be benign by multiple in silico algorithms, and/or has population frequency not consistent with disease.

NM_001851.6(COL9A1):c.2106G>A (p.Lys702=)

Gene: COL9A1 (collagen type IX alpha 1 chain; minus strand). Cytogenetic location: 6q13.
Variant type: single nucleotide variant.
Coding change: c.2106G>A on transcript NM_001851.6 (MANE Select); coding-DNA position 2106, G replaced by A.
Protein change: p.Lys702=; no amino-acid change (lysine 702 retained).
Molecular consequence: synonymous variant. On other transcripts: non-coding transcript variant (1).
Genome position (GRCh38, 1-based): chr6:70,239,260, C>T on the plus strand (G>A on the coding strand, the complement: COL9A1 is on the minus strand). VCF-style: chr6-70239260-C-T. GRCh37 (hg19) VCF-style: chr6-70948963-C-T.
Other names: c.1407G>A, p.Lys469= (NM_001377289.1); c.1377G>A, p.Lys459= (NM_001377290.1, NM_078485.4).
Identifiers: ClinVar variation 392218 (VCV000392218.4), dbSNP rs774146890, ClinGen allele CA3881863.